The following is an entry in ClinVar:

NM_000558.5(HBA1):c.207del (p.Asn69fs)

Genes: HBA1 (hemoglobin subunit alpha 1; plus strand), LOC106804613 (hemoglobin subunit alpha 1 recombination region; plus strand). Cytogenetic location: 16p13.3.
Variant type: Deletion.
Coding change: c.207del on transcript NM_000558.5 (MANE Select); coding-DNA position 207, one base deleted (C; older notation c.207delC).
Protein change: p.Asn69fs; shifts the reading frame from asparagine 69.
Molecular consequence: frameshift variant.
Genome position (GRCh38, 1-based): chr16:177,040, C deleted. VCF-style (leftmost placement, unchanged base first): chr16-177039-AC-A. GRCh37 (hg19) VCF-style: chr16-227038-AC-A.
Other names: short protein forms N69fs.
Identifiers: ClinVar variation 4814390 (VCV004814390.1).

ClinVar aggregate classification (germline): Likely pathogenic (1 of 4 stars; one submission).

Conditions:
alpha Thalassemia. Also called: Alpha thalassemia spectrum. Identifiers: Orphanet 846, MedGen C0002312, MONDO:0011399, OMIM 604131.

Submission:

Natera, Inc.
Classification: Likely pathogenic for Alpha thalassemia. Last evaluated: 2024-04-18. Review status: criteria provided, single submitter. Criteria: Natera Variant Classification Schema (03/2026). Collection method: clinical testing. Allele origin: germline.
Comment: The c.207delC variant in HBA1 is a frameshift variant predicted to shift the reading frame beginning at codon 69 and leads to a stop codon 16 codons downstream. This variant is expected to result in nonsense mediated decay, truncation, or a dysfunctional protein product. This variant is rare in the general population with a frequency below the threshold expected for the associated phenotype(s). Given the available evidence, this variant is classified as Likely Pathogenic.